The following is an entry in ClinVar:

ClinVar aggregate classification (germline): Likely benign (0 of 4 stars; one submission).

Conditions:
DNAH2-related disorder. Also called: DNAH2-related condition.

Allele frequency attached by ClinVar (database versions not stated): gnomAD 0.00001; ExAC 0.00002; TOPMed 0.00002; gnomAD exomes 0.00004.
gnomAD v4.1: 57 of 1,613,398 alleles (0.0035%); highest among the groups gnomAD compares: Middle Eastern, 0.39%; no homozygotes.

Submission:

PreventionGenetics, part of Exact Sciences
Classification: Likely benign for DNAH2-related condition. Last evaluated: 2019-06-06. Review status: no assertion criteria provided. Collection method: clinical testing. Allele origin: germline.
Comment: This variant is classified as likely benign based on ACMG/AMP sequence variant interpretation guidelines (Richards et al. 2015 PMID: 25741868, with internal and published modifications).

NM_020877.5(DNAH2):c.9663C>T (p.Asn3221=)

Gene: DNAH2 (dynein axonemal heavy chain 2; plus strand). Cytogenetic location: 17p13.1.
Variant type: single nucleotide variant.
Coding change: c.9663C>T on transcript NM_020877.5 (MANE Select); coding-DNA position 9663, C replaced by T.
Protein change: p.Asn3221=; no amino-acid change (asparagine 3221 retained).
Molecular consequence: synonymous variant.
Genome position (GRCh38, 1-based): chr17:7,807,520, C>T. VCF-style: chr17-7807520-C-T. GRCh37 (hg19) VCF-style: chr17-7710838-C-T.
Identifiers: ClinVar variation 3043697 (VCV003043697.2), dbSNP rs775267694, ClinGen allele CA8358791.
Genomic context (GRCh38, chr17:7,807,520, plus strand): 5'-CTCCCCACAGCTGTATGGGCGGCTATATCGGGTGGTGGAGCCCAAGCGAATCCGAATGAA[C>T]GCTGCCTTGGCTCAGCTTCGGGAGAAGCAAGCCGCGCTCGCTGAGGCCCAGGAGAAGCTG-3'
Protein context (NP_065928.2, residues 3211-3231): RVVEPKRIRM[Asn3221=]AALAQLREKQ